The following is an entry in ClinVar:

NM_006662.3(SRCAP):c.7478C>T (p.Pro2493Leu)

Gene: SRCAP (Snf2 related CREBBP activator protein; plus strand). Cytogenetic location: 16p11.2.
Variant type: single nucleotide variant.
Coding change: c.7478C>T on transcript NM_006662.3 (MANE Select); coding-DNA position 7478, C replaced by T.
Protein change: p.Pro2493Leu; replaces proline 2493 with leucine.
Molecular consequence: missense variant.
Genome position (GRCh38, 1-based): chr16:30,737,518, C>T. VCF-style: chr16-30737518-C-T. GRCh37 (hg19) VCF-style: chr16-30748839-C-T.
Other names: c.7478C>T (NM_006662.2); short protein forms P2493L.
Identifiers: ClinVar variation 3580215 (VCV003580215.3).

ClinVar aggregate classification (germline): Uncertain significance. Review status: criteria provided, multiple submitters, no conflicts (2 of 4 stars). 3 submissions from 3 submitters: Uncertain significance (3). Last evaluated 2025-10-07.

Conditions:
Inborn genetic diseases. Identifiers: MedGen C0950123, MeSH D030342.
Developmental delay, hypotonia, musculoskeletal defects, and behavioral abnormalities. Identifiers: MedGen C5562012, MONDO:0859202, OMIM 619595.
Floating-Harbor syndrome (FLHS). Also called: SRCAP-Related Floating-Harbor Syndrome; Short stature with delayed bone age, expressive language delay, a triangular face with a prominent nose and deep-set eyes; Pelletier-Leisti syndrome. Identifiers: Orphanet 2044, MedGen C0729582, MONDO:0007621, OMIM 136140.

gnomAD v4.1: 1 of 1,604,718 alleles (0.000062%); highest among the groups gnomAD compares: Admixed American, 0.0017%; no homozygotes.

Submissions (3):

Ambry Genetics
Classification: Uncertain significance for Inborn genetic diseases. Last evaluated: 2025-10-07. Review status: criteria provided, single submitter. Criteria: Ambry Variant Classification Scheme 2023. Collection method: clinical testing. Allele origin: germline.

Labcorp Genetics (formerly Invitae), Labcorp
Classification: Uncertain significance. Last evaluated: 2025-03-23. Review status: criteria provided, single submitter. Criteria: Invitae Variant Classification Sherloc (09022015). Collection method: clinical testing. Allele origin: germline.
Comment: This sequence change replaces proline, which is neutral and non-polar, with leucine, which is neutral and non-polar, at codon 2493 of the SRCAP protein (p.Pro2493Leu). This variant is present in population databases (no rsID available, gnomAD 0.003%). This variant has not been reported in the literature in individuals affected with SRCAP-related conditions. ClinVar contains an entry for this variant (Variation ID: 3580215). Invitae Evidence Modeling of protein sequence and biophysical properties (such as structural, functional, and spatial information, amino acid conservation, physicochemical variation, residue mobility, and thermodynamic stability) indicates that this missense variant is not expected to disrupt SRCAP protein function with a negative predictive value of 80%. In summary, the available evidence is currently insufficient to determine the role of this variant in disease. Therefore, it has been classified as a Variant of Uncertain Significance.

Fulgent Genetics
Classification: Uncertain significance for Floating-Harbor syndrome; Developmental delay, hypotonia, musculoskeletal defects, and behavioral abnormalities. Last evaluated: 2024-01-09. Review status: criteria provided, single submitter. Criteria: ACMG Guidelines, 2015. Collection method: clinical testing. Allele origin: germline.